The following is an entry in ClinVar:

ClinVar aggregate classification (germline): Uncertain significance. Review status: criteria provided, multiple submitters, no conflicts (2 of 4 stars). 2 submissions from 2 submitters: Uncertain significance (2). Last evaluated 2025-10-22.

Allele frequency attached by ClinVar (database versions not stated): 1000 Genomes Project 0.00020; 1000 Genomes Project 30x 0.00031.
gnomAD v4.1: 65 of 1,612,270 alleles (0.004%); highest among the groups gnomAD compares: African/African-American, 0.0093%; no homozygotes.

Submissions (2):

Labcorp Genetics (formerly Invitae), Labcorp
Classification: Uncertain significance. Last evaluated: 2025-10-22. Review status: criteria provided, single submitter. Criteria: Invitae Variant Classification Sherloc (09022015). Collection method: clinical testing. Allele origin: germline.
Comment: This sequence change replaces arginine, which is basic and polar, with glutamine, which is neutral and polar, at codon 109 of the RPL35 protein (p.Arg109Gln). This variant is present in population databases (rs28620639, gnomAD 0.02%). This variant has not been reported in the literature in individuals affected with RPL35-related conditions. ClinVar contains an entry for this variant (Variation ID: 2957261). An algorithm developed to predict the effect of missense changes on protein structure and function (PolyPhen-2) suggests that this variant is likely to be tolerated. In summary, the available evidence is currently insufficient to determine the role of this variant in disease. Therefore, it has been classified as a Variant of Uncertain Significance.

Ambry Genetics
Classification: Uncertain significance. Last evaluated: 2025-04-03. Review status: criteria provided, single submitter. Criteria: Ambry Variant Classification Scheme 2023. Collection method: clinical testing. Allele origin: germline.

NM_007209.4(RPL35):c.326G>A (p.Arg109Gln)

Gene: RPL35 (ribosomal protein L35; minus strand). Cytogenetic location: 9q33.3.
Variant type: single nucleotide variant.
Coding change: c.326G>A on transcript NM_007209.4 (MANE Select); coding-DNA position 326, G replaced by A.
Protein change: p.Arg109Gln; replaces arginine 109 with glutamine.
Molecular consequence: missense variant.
Genome position (GRCh38, 1-based): chr9:124,857,964, C>T on the plus strand (G>A on the coding strand, the complement: RPL35 is on the minus strand). VCF-style: chr9-124857964-C-T. GRCh37 (hg19) VCF-style: chr9-127620243-C-T.
Other names: c.326G>A (NM_007209.3); short protein forms R109Q.
Identifiers: ClinVar variation 2957261 (VCV002957261.4), dbSNP rs28620639, ClinGen allele CA5237178.
Genomic context (GRCh38, chr9:124,857,964, plus strand): 5'-TGACAATGCGCCCCTCAGGCCTTGACCGCGTACTTCCGCAGCGGGTACAGCCGCTCCTTC[C>T]GCTGCTGCTTCTTGGTCTTCAGGTTCTCCTCGTGCTTGTTGAGCCGGCGGCGCATGGCAC-3'
Protein context (NP_009140.1, residues 99-119): EENLKTKKQQ[Arg109Gln]KERLYPLRKY